The following is an entry in ClinVar:

NM_004006.3(DMD):c.2617dup (p.Cys873fs)

Gene: DMD (dystrophin; minus strand). Cytogenetic location: Xp21.1.
Variant type: Duplication.
Coding change: c.2617dup on transcript NM_004006.3 (MANE Select); coding-DNA position 2617, one base duplicated (T; older notation c.2617dupT).
Protein change: p.Cys873fs; shifts the reading frame from cysteine 873.
Molecular consequence: frameshift variant.
Genome position (GRCh38, 1-based): chrX:32,491,282, A duplicated on the plus strand (T on the coding strand, the reverse complement: DMD is on the minus strand); the first of 3 consecutive A bases (chrX:32,491,282-32,491,284); duplicating any one gives the same sequence. VCF-style (leftmost placement, unchanged base first): chrX-32491281-C-CA. GRCh37 (hg19) VCF-style: chrX-32509398-C-CA.
Other names: c.2593dup, p.Cys865fs (NM_000109.4); c.2605dup, p.Cys869fs (NM_004009.3); c.2248dup, p.Cys750fs (NM_004010.3); short protein forms C869fs, C750fs, C873fs, C865fs.
Identifiers: ClinVar variation 960930 (VCV000960930.8), dbSNP rs2042972321, ClinGen allele CA1139667372.

ClinVar aggregate classification (germline): Pathogenic (1 of 4 stars; one submission).

Conditions:
Duchenne muscular dystrophy (DMD). Also called: MUSCULAR DYSTROPHY, PSEUDOHYPERTROPHIC PROGRESSIVE, DUCHENNE TYPE; Duchenne Muscular Dystrophy (DMD). Identifiers: Orphanet 98896, MedGen C0013264, MONDO:0010679, OMIM 310200.

Submission:

Labcorp Genetics (formerly Invitae), Labcorp
Classification: Pathogenic for Duchenne muscular dystrophy. Last evaluated: 2022-06-04. Review status: criteria provided, single submitter. Criteria: Invitae Variant Classification Sherloc (09022015). Collection method: clinical testing. Allele origin: germline.
Comment: For these reasons, this variant has been classified as Pathogenic. Algorithms developed to predict the effect of sequence changes on RNA splicing suggest that this variant may create or strengthen a splice site. ClinVar contains an entry for this variant (Variation ID: 960930). This variant has not been reported in the literature in individuals affected with DMD-related conditions. This variant is not present in population databases (gnomAD no frequency). This sequence change creates a premature translational stop signal (p.Cys873Leufs*2) in the DMD gene. It is expected to result in an absent or disrupted protein product. Loss-of-function variants in DMD are known to be pathogenic (PMID: 16770791, 25007885).

Literature cited by the submitters: PubMed 16770791; PubMed 25007885.